The following is an entry in ClinVar:

NM_001290060.2(SEMA3B):c.771G>C (p.Leu257=)

Gene: SEMA3B (semaphorin 3B; plus strand). Cytogenetic location: 3p21.31.
Variant type: single nucleotide variant.
Coding change: c.771G>C on transcript NM_001290060.2 (MANE Select); coding-DNA position 771, G replaced by C.
Protein change: p.Leu257=; no amino-acid change (leucine 257 retained).
Molecular consequence: synonymous variant. On other transcripts: 5 prime UTR variant (1), intron variant (1).
Genome position (GRCh38, 1-based): chr3:50,273,404, G>C. VCF-style: chr3-50273404-G-C. GRCh37 (hg19) VCF-style: chr3-50310835-G-C.
Other names: c.771G>C, p.Leu257= (NM_001005914.3, NM_001290061.1, NM_004636.4); c.-256G>C (NM_001290062.2); c.-220+90G>C (NM_001290063.2).
Identifiers: ClinVar variation 3041369 (VCV003041369.1), dbSNP rs2470772822, ClinGen allele CA2740094441.
Genomic context (GRCh38, chr3:50,273,404, plus strand): 5'-AGACGACGACAAAATCTACTTCTTCTTTCGTGAGACGGCGGTAGAGGCGGCGCCGGCACT[G>C]GGACGCCTGTCCGTGTCCCGCGTTGGCCAGATCTGCCGGGTGAGGAGTCCCTGGGCCACA-3'
Protein context (NP_001276989.1, residues 247-267): RETAVEAAPA[Leu257=]GRLSVSRVGQ

ClinVar aggregate classification (germline): Likely benign (1 of 4 stars; one submission).

Conditions:
SEMA3B-related disorder. Also called: SEMA3B-related condition.

Submission:

PreventionGenetics, part of Exact Sciences
Classification: Likely benign for SEMA3B-related condition. Last evaluated: 2021-06-05. Review status: criteria provided, single submitter. Criteria: ACMG Guidelines, 2015. Collection method: clinical testing. Allele origin: germline.
Comment: This variant is classified as likely benign based on ACMG/AMP sequence variant interpretation guidelines (Richards et al. 2015 PMID: 25741868, with internal and published modifications).